The following is an entry in ClinVar:

NM_001363.5(DKC1):c.1338+3G>C

Gene: DKC1 (dyskerin pseudouridine synthase 1; plus strand). Cytogenetic location: Xq28.
Variant type: single nucleotide variant.
Coding change: c.1338+3G>C on transcript NM_001363.5 (MANE Select); 3 bases into the intron after coding-DNA position 1338, G replaced by C.
Molecular consequence: intron variant.
Genome position (GRCh38, 1-based): chrX:154,775,276, G>C. VCF-style: chrX-154775276-G-C. GRCh37 (hg19) VCF-style: chrX-154003551-G-C.
Other names: c.*564+3G>C (NM_001288747.2); c.1323+3G>C (NM_001142463.3).
Identifiers: ClinVar variation 2065177 (VCV002065177.4), dbSNP rs2523706299, ClinGen allele CA2580101867.

ClinVar aggregate classification (germline): Uncertain significance (1 of 4 stars; one submission).

Conditions:
Dyskeratosis congenita. Identifiers: Orphanet 1775, MedGen C0265965, MONDO:0015780.

Submission:

Labcorp Genetics (formerly Invitae), Labcorp
Classification: Uncertain significance for Dyskeratosis congenita. Last evaluated: 2024-12-12. Review status: criteria provided, single submitter. Criteria: Invitae Variant Classification Sherloc (09022015). Collection method: clinical testing. Allele origin: germline.
Comment: This sequence change falls in intron 13 of the DKC1 gene. It does not directly change the encoded amino acid sequence of the DKC1 protein. It affects a nucleotide within the consensus splice site. This variant is not present in population databases (gnomAD no frequency). This variant has not been reported in the literature in individuals affected with DKC1-related conditions. ClinVar contains an entry for this variant (Variation ID: 2065177). Variants that disrupt the consensus splice site are a relatively common cause of aberrant splicing (PMID: 17576681, 9536098). Algorithms developed to predict the effect of sequence changes on RNA splicing suggest that this variant may create or strengthen a splice site. In summary, the available evidence is currently insufficient to determine the role of this variant in disease. Therefore, it has been classified as a Variant of Uncertain Significance.

Literature cited by the submitters: PubMed 17576681; PubMed 9536098.